The following is an entry in ClinVar:

NM_002609.4(PDGFRB):c.2941G>A (p.Asp981Asn)

Gene: PDGFRB (platelet derived growth factor receptor beta; minus strand). Cytogenetic location: 5q32.
Variant type: single nucleotide variant.
Coding change: c.2941G>A on transcript NM_002609.4 (MANE Select); coding-DNA position 2941, G replaced by A.
Protein change: p.Asp981Asn; replaces aspartic acid 981 with asparagine.
Molecular consequence: missense variant.
Genome position (GRCh38, 1-based): chr5:150,117,814, C>T on the plus strand (G>A on the coding strand, the complement: PDGFRB is on the minus strand). VCF-style: chr5-150117814-C-T. GRCh37 (hg19) VCF-style: chr5-149497377-C-T.
Other names: c.2749G>A, p.Asp917Asn (NM_001355016.2); c.2458G>A, p.Asp820Asn (NM_001355017.2); short protein forms D820N, D917N, D981N.
Identifiers: ClinVar variation 4531084 (VCV004531084.1).

ClinVar aggregate classification (germline): Uncertain significance (1 of 4 stars; one submission).

gnomAD v4.1: 1 of 1,613,280 alleles (0.000062%); highest among the groups gnomAD compares: Non-Finnish European, 0.000085%; no homozygotes.

Submission:

GeneDx
Classification: Uncertain significance. Last evaluated: 2025-05-18. Review status: criteria provided, single submitter. Criteria: GeneDx Variant Classification Process June 2021. Collection method: clinical testing. Allele origin: germline. Affected: yes.
Comment: Not observed at significant frequency in large population cohorts (gnomAD); In silico analysis suggests that this missense variant does not alter protein structure/function; Has not been previously published as pathogenic or benign to our knowledge